The following is an entry in ClinVar:

ClinVar aggregate classification (germline): Uncertain significance (1 of 4 stars; one submission).

Conditions:
Cardiovascular phenotype. Identifiers: MedGen CN230736.

Allele frequency attached by ClinVar (database versions not stated): ExAC 0.00001.

Submission:

Ambry Genetics
Classification: Uncertain significance for Cardiovascular phenotype. Last evaluated: 2021-03-03. Review status: criteria provided, single submitter. Criteria: Ambry Variant Classification Scheme 2023. Collection method: clinical testing. Allele origin: germline.
Comment: The p.T3363S variant (also known as c.10088C>G), located in coding exon 70 of the DMD gene, results from a C to G substitution at nucleotide position 10088. The threonine at codon 3363 is replaced by serine, an amino acid with similar properties. Based on data from gnomAD, the G allele has an overall frequency of 0.0005% (1/181053) total alleles studied, with 1 hemizygote observed. The highest observed frequency was 0.0013% (1/79678) of European (non-Finnish) alleles. This amino acid position is highly conserved in available vertebrate species. In addition, the in silico prediction for this alteration is inconclusive. Since supporting evidence is limited at this time, the clinical significance of this alteration remains unclear.

NM_004006.3(DMD):c.10088C>G (p.Thr3363Ser)

Gene: DMD (dystrophin; minus strand). Cytogenetic location: Xp21.2.
Variant type: single nucleotide variant.
Coding change: c.10088C>G on transcript NM_004006.3 (MANE Select); coding-DNA position 10088, C replaced by G.
Protein change: p.Thr3363Ser; replaces threonine 3363 with serine.
Molecular consequence: missense variant.
Genome position (GRCh38, 1-based): chrX:31,178,804, G>C on the plus strand (C>G on the coding strand, the complement: DMD is on the minus strand). VCF-style: chrX-31178804-G-C. GRCh37 (hg19) VCF-style: chrX-31196921-G-C.
Other names: c.10064C>G, p.Thr3355Ser (NM_000109.4); c.10076C>G, p.Thr3359Ser (NM_004009.3); c.9719C>G, p.Thr3240Ser (NM_004010.3); c.6065C>G, p.Thr2022Ser (NM_004011.4); c.6056C>G, p.Thr2019Ser (NM_004012.4); c.2708C>G, p.Thr903Ser (NM_004013.3, NM_004020.4, NM_004021.3 and 2 more transcripts); c.1901C>G, p.Thr634Ser (NM_004014.3); c.884C>G, p.Thr295Ser (NM_004015.3, NM_004016.3, NM_004017.3 and 2 more transcripts); short protein forms T2019S, T295S, T3363S, T903S, T2022S, T3359S, T3355S, T634S.
Identifiers: ClinVar variation 1789552 (VCV001789552.2), dbSNP rs756461201, ClinGen allele CA10377689.